The following is an entry in ClinVar:

GRCh38/hg38 20q13.33(chr20:62545370-64241486)x1

Genes: ABHD16B (abhydrolase domain containing 16B; plus strand), ABHD16B-AS1 (ABHD16B antisense RNA 1; minus strand), ARFGAP1 (ARF GTPase activating protein 1; plus strand), ARFRP1 (ARF related protein 1; minus strand), BHLHE23 (basic helix-loop-helix family member e23; minus strand) and 247 more. Cytogenetic location: 20q13.33.
Variant type: copy number loss.
Change: copy number 1 (one copy instead of two) of chr20:62,545,370-64,241,486 (1.70 Mb, GRCh38 coordinates, 1-based), cytogenetic band 20q13.33.
Identifiers: ClinVar variation 58975 (VCV000058975.1).

ClinVar aggregate classification (germline): Pathogenic (1 of 4 stars; one submission).

Submission:

ISCA site 15
Classification: Pathogenic. Last evaluated: 2011-08-12. Review status: criteria provided, single submitter. Criteria: Kaminsky et al. (Genet Med. 2011). Collection method: clinical testing. Allele origin: unknown. Affected: yes. Observed: 1 variant allele.
Comment: Copy number variation identified through the course of routine clinical cytogenomic testing in postnatal populations. Clinical assertions have been curated as described in Kaminsky et al. 2011.